The following is an entry in ClinVar:

ClinVar aggregate classification (germline): Uncertain significance (1 of 4 stars; one submission).

Allele frequency attached by ClinVar (database versions not stated): gnomAD exomes below 0.00001; ExAC 0.00001.
gnomAD v4.1: 3 of 1,209,661 alleles (0.00025%); highest among the groups gnomAD compares: South Asian, 0.0053%; no homozygotes.

Submission:

GeneDx
Classification: Uncertain significance. Last evaluated: 2019-11-14. Review status: criteria provided, single submitter. Criteria: GeneDx Variant Classification Process June 2021. Collection method: clinical testing. Allele origin: germline. Affected: yes.
Comment: Not observed in large population cohorts (Lek et al., 2016); In silico analysis, which includes protein predictors and evolutionary conservation, supports that this variant does not alter protein structure/function; Has not been previously published as pathogenic or benign to our knowledge

NM_000489.6(ATRX):c.2541T>G (p.Phe847Leu)

Gene: ATRX (ATRX chromatin remodeler; minus strand). Cytogenetic location: Xq21.1.
Variant type: single nucleotide variant.
Coding change: c.2541T>G on transcript NM_000489.6 (MANE Select); coding-DNA position 2541, T replaced by G.
Protein change: p.Phe847Leu; replaces phenylalanine 847 with leucine.
Molecular consequence: missense variant.
Genome position (GRCh38, 1-based): chrX:77,682,715, A>C on the plus strand (T>G on the coding strand, the complement: ATRX is on the minus strand). VCF-style: chrX-77682715-A-C. GRCh37 (hg19) VCF-style: chrX-76938207-A-C.
Other names: c.2427T>G, p.Phe809Leu (NM_138270.5); short protein forms F809L, F847L.
Identifiers: ClinVar variation 1321094 (VCV001321094.2), dbSNP rs782483240, ClinGen allele CA10458067.